The following is an entry in ClinVar:

NM_001270508.2(TNFAIP3):c.296-15_296-13del

Gene: TNFAIP3 (TNF alpha induced protein 3; plus strand). Cytogenetic location: 6q23.3.
Variant type: Microsatellite.
Coding change: c.296-15_296-13del on transcript NM_001270508.2 (MANE Select); 15 bases into the intron before coding-DNA position 296 through 13 bases into the intron before coding-DNA position 296, 3 bases deleted (CCT; older notation c.296-15_296-13delCCT).
Molecular consequence: intron variant.
Genome position (GRCh38, 1-based): chr6:137,874,830-137,874,832, CCT deleted; deleting any 3 consecutive bases within chr6:137,874,825-137,874,832 gives the same sequence; the c. name uses the placement nearest the transcript's 3' end. VCF-style (leftmost placement, unchanged base first): chr6-137874824-TCTC-T. GRCh37 (hg19) VCF-style: chr6-138195961-TCTC-T.
Other names: c.296-15_296-13del (NM_001270507.2, NM_006290.4); c.296-15_296-13delCCT (NM_006290.4).
Identifiers: ClinVar variation 993326 (VCV000993326.34), dbSNP rs2307859, ClinGen allele CA4019394.
Genomic context (GRCh38, chr6:137,874,824, plus strand): 5'-TGGTTTATTCTGAAAACCTTTGCTGGGTCTTACATGCAGATAACTTGACTTTCCTTCTCT[TCTC>T]CTCCTTTCTGTCCTCAGGTGACGGCAATTGCCTCATGCATGCCACTTCTCAGTACATGTG-3'

ClinVar aggregate classification (germline): Benign. Review status: criteria provided, multiple submitters, no conflicts (2 of 4 stars). 7 submissions from 7 submitters: Benign (7). Last evaluated 2026-02-04.

Conditions:
Autoinflammatory syndrome, familial, Behcet-like. Identifiers: MedGen CN234876, MONDO:0031384.
Autoinflammatory syndrome, familial, Behcet-like 1 (AIFBL1). Also called: Haploinsufficiency of A20. Identifiers: Orphanet 674762, MedGen C4225218, MONDO:0800045, OMIM 616744.

Submissions (7):

Labcorp Genetics (formerly Invitae), Labcorp
Classification: Benign. Last evaluated: 2026-02-04. Review status: criteria provided, single submitter. Criteria: Invitae Variant Classification Sherloc (09022015). Collection method: clinical testing. Allele origin: germline.

Women's Health and Genetics/Laboratory Corporation of America, LabCorp
Classification: Benign. Last evaluated: 2026-01-21. Review status: criteria provided, single submitter. Criteria: LabCorp Variant Classification Summary - May 2015. Collection method: clinical testing. Allele origin: germline.

ARUP Laboratories, Molecular Genetics and Genomics, ARUP Laboratories
Classification: Benign for Autoinflammatory syndrome, familial, Behcet-like 1. Last evaluated: 2025-07-30. Review status: criteria provided, single submitter. Criteria: ARUP Molecular Germline Variant Investigation Process 2024. Collection method: clinical testing. Allele origin: germline.

Blueprint Genetics
Classification: Benign. Last evaluated: 2024-11-27. Review status: criteria provided, single submitter. Criteria: ACMG Guidelines, 2015. Collection method: clinical testing. Allele origin: germline.

Unidad de Genómica Garrahan, Hospital de Pediatría Garrahan
Classification: Benign. Last evaluated: 2023-11-12. Review status: criteria provided, single submitter. Criteria: ACMG Guidelines, 2015. Collection method: clinical testing. Allele origin: germline. Affected: no. Observed: 76 variant alleles.
Comment: This variant is classified as Benign based on local population frequency. This variant was detected in 79% of patients studied by a panel of primary immunodeficiencies. Number of patients: 76. Only high quality variants are reported.

Genome-Nilou Lab
Classification: Benign for Autoinflammatory syndrome, familial, Behcet-like 1. Last evaluated: 2021-09-10. Review status: criteria provided, single submitter. Criteria: ACMG Guidelines, 2015. Collection method: clinical testing. Allele origin: germline. Affected: no.

GeneDx
Classification: Benign. Last evaluated: 2019-04-30. Review status: criteria provided, single submitter. Criteria: GeneDx Variant Classification Process June 2021. Collection method: clinical testing. Allele origin: germline. Affected: yes.